The following is an entry in ClinVar:

NM_020810.3(TRMT5):c.70A>G (p.Ile24Val)

Gene: TRMT5 (tRNA methyltransferase 5; minus strand). Cytogenetic location: 14q23.1.
Variant type: single nucleotide variant.
Coding change: c.70A>G on transcript NM_020810.3 (MANE Select); coding-DNA position 70, A replaced by G.
Protein change: p.Ile24Val; replaces isoleucine 24 with valine.
Molecular consequence: missense variant.
Genome position (GRCh38, 1-based): chr14:60,979,828, T>C on the plus strand (A>G on the coding strand, the complement: TRMT5 is on the minus strand). VCF-style: chr14-60979828-T-C. GRCh37 (hg19) VCF-style: chr14-61446546-T-C.
Other names: c.154A>G, p.Ile52Val (NM_001350253.1); c.151A>G, p.Ile51Val (NM_001350254.1); c.70A>G (NM_020810.2); short protein forms I51V, I52V, I24V.
Identifiers: ClinVar variation 715049 (VCV000715049.21), dbSNP rs115407315, ClinGen allele CA7213989.

ClinVar aggregate classification (germline): Conflicting classifications of pathogenicity. Review status: criteria provided, conflicting classifications (1 of 4 stars). 5 submissions from 5 submitters: Uncertain significance (1); Likely benign (3). 1 of the submissions does not count toward it. Last evaluated 2026-01-24.

Conditions:
TRMT5-related disorder. Also called: TRMT5-related condition.
Inborn genetic diseases. Identifiers: MedGen C0950123, MeSH D030342.
Combined oxidative phosphorylation defect type 26 (PNSED). Also called: PERIPHERAL NEUROPATHY WITH VARIABLE SPASTICITY, EXERCISE INTOLERANCE, AND DEVELOPMENTAL DELAY; Combined oxidative phosphorylation deficiency 26. Identifiers: Orphanet 477684, MedGen C5567741, MONDO:0014684, OMIM 616539.

Allele frequency attached by ClinVar (database versions not stated): gnomAD exomes 0.00017 and 0.00047; ExAC 0.00061; TOPMed 0.00186; gnomAD 0.00190 and 0.00199; ESP Exome Variant Server 0.00223; 1000 Genomes Project 30x 0.00344; 1000 Genomes Project 0.00359.
gnomAD v4.1: 539 of 1,606,224 alleles (0.034%); highest among the groups gnomAD compares: African/African-American, 0.66%; 1 homozygote.

Submissions (5):

Labcorp Genetics (formerly Invitae), Labcorp
Classification: Likely benign. Last evaluated: 2026-01-24. Review status: criteria provided, single submitter. Criteria: Invitae Variant Classification Sherloc (09022015). Collection method: clinical testing. Allele origin: germline.

CeGaT Center for Human Genetics Tuebingen
Classification: Likely benign. Last evaluated: 2025-10-01. Review status: criteria provided, single submitter. Criteria: CeGaT Center For Human Genetics Tuebingen Variant Classification Criteria Version 2. Collection method: clinical testing. Allele origin: germline. Affected: yes. Observed: 1 variant allele.
Comment: TRMT5: BP4

Ambry Genetics
Classification: Uncertain significance for Inborn genetic diseases. Last evaluated: 2025-08-08. Review status: criteria provided, single submitter. Criteria: Ambry Variant Classification Scheme 2023. Collection method: clinical testing. Allele origin: germline.

Fulgent Genetics
Classification: Likely benign for Combined oxidative phosphorylation defect type 26. Last evaluated: 2021-11-19. Review status: criteria provided, single submitter. Criteria: ACMG Guidelines, 2015. Collection method: clinical testing. Allele origin: unknown.

PreventionGenetics, part of Exact Sciences
Classification: Benign for TRMT5-related condition. Last evaluated: 2019-06-27. Review status: no assertion criteria provided. Collection method: clinical testing. Allele origin: germline. Not counted in ClinVar's aggregate classification.
Comment: This variant is classified as benign based on ACMG/AMP sequence variant interpretation guidelines (Richards et al. 2015 PMID: 25741868, with internal and published modifications).